The following is an entry in ClinVar:

ClinVar aggregate classification (germline): Pathogenic (1 of 4 stars; one submission).

Submission:

Labcorp Genetics (formerly Invitae), Labcorp
Classification: Pathogenic. Last evaluated: 2022-07-30. Review status: criteria provided, single submitter. Criteria: Invitae Variant Classification Sherloc (09022015). Collection method: clinical testing. Allele origin: germline.
Comment: For these reasons, this variant has been classified as Pathogenic. Algorithms developed to predict the effect of sequence changes on RNA splicing suggest that this variant may disrupt the consensus splice site. Disruption of this splice site has been observed in individuals with CHM-related conditions (PMID: 23299470, 33110609). It has also been observed to segregate with disease in related individuals. This variant is not present in population databases (gnomAD no frequency). This sequence change affects a donor splice site in intron 1 of the CHM gene. It is expected to disrupt RNA splicing. Variants that disrupt the donor or acceptor splice site typically lead to a loss of protein function (PMID: 16199547), and loss-of-function variants in CHM are known to be pathogenic (PMID: 9067750, 23811034).

Literature cited by the submitters: PubMed 23299470; PubMed 33110609; PubMed 16199547; PubMed 9067750; PubMed 23811034.

NM_000390.4(CHM):c.49+1G>C

Gene: CHM (CHM Rab escort protein; minus strand). Cytogenetic location: Xq21.2.
Variant type: single nucleotide variant.
Coding change: c.49+1G>C on transcript NM_000390.4 (MANE Select); the canonical splice donor site of the intron after coding-DNA position 49, G replaced by C.
Molecular consequence: splice donor variant.
Genome position (GRCh38, 1-based): chrX:86,047,483, C>G on the plus strand (G>C on the coding strand, the complement: CHM is on the minus strand). VCF-style: chrX-86047483-C-G. GRCh37 (hg19) VCF-style: chrX-85302487-C-G.
Other names: c.49+1G>C (NM_001145414.4).
Identifiers: ClinVar variation 2020502 (VCV002020502.4), dbSNP rs886041174, ClinGen allele CA413788630.
Genomic context (GRCh38, chrX:86,047,483, plus strand): 5'-AAAAAACAGAAACAAGACAGTCTTCCTAAACTTTGTCCAGGAAGCACCAGGCTACACATA[C>G]CCGTCCCTATTACGATCACATCAAACTCCGAAGGGAGAGTATCCGCCATCTTGACGGGAA-3'